The following is an entry in ClinVar:

ClinVar aggregate classification (germline): Uncertain significance (1 of 4 stars; one submission).

Allele frequency attached by ClinVar (database versions not stated): gnomAD exomes below 0.00001.
gnomAD v4.1: 10 of 1,613,980 alleles (0.00062%); highest among the groups gnomAD compares: Non-Finnish European, 0.000085%; no homozygotes.

Submission:

GeneDx
Classification: Uncertain significance. Last evaluated: 2022-04-26. Review status: criteria provided, single submitter. Criteria: GeneDx Variant Classification Process June 2021. Collection method: clinical testing. Allele origin: germline. Affected: yes.
Comment: Not observed at significant frequency in large population cohorts (gnomAD); In silico analysis supports that this missense variant does not alter protein structure/function; Has not been previously published as pathogenic or benign to our knowledge

NM_001931.5(DLAT):c.977T>C (p.Val326Ala)

Gene: DLAT (dihydrolipoamide S-acetyltransferase; plus strand). Cytogenetic location: 11q23.1.
Variant type: single nucleotide variant.
Coding change: c.977T>C on transcript NM_001931.5 (MANE Select); coding-DNA position 977, T replaced by C.
Protein change: p.Val326Ala; replaces valine 326 with alanine.
Molecular consequence: missense variant. On other transcripts: non-coding transcript variant (1).
Genome position (GRCh38, 1-based): chr11:112,039,245, T>C. VCF-style: chr11-112039245-T-C. GRCh37 (hg19) VCF-style: chr11-111909969-T-C.
Other names: c.977T>C, p.Val326Ala (NM_001372031.1, NM_001372032.1, NM_001372033.1 and 1 more transcripts); c.944T>C, p.Val315Ala (NM_001372034.1); c.851T>C, p.Val284Ala (NM_001372036.1); c.809T>C, p.Val270Ala (NM_001372037.1); c.698T>C, p.Val233Ala (NM_001372038.1); c.662T>C, p.Val221Ala (NM_001372039.1, NM_001372041.1); c.596T>C, p.Val199Ala (NM_001372040.1); c.515T>C, p.Val172Ala (NM_001372042.1); short protein forms V172A, V199A, V221A, V233A, V270A, V284A, V315A, V326A.
Identifiers: ClinVar variation 1712593 (VCV001712593.2), dbSNP rs1555180793, ClinGen allele CA382609201.